The following is an entry in ClinVar:

NC_012920.1(MT-TQ):m.4386T>C

Gene: MT-TQ (mitochondrially encoded tRNA glutamine; minus strand).
Variant type: single nucleotide variant.
Genome position: chrM-4386-T-C.
Identifiers: ClinVar variation 689903 (VCV000689903.1), dbSNP rs1569483940, ClinGen allele CA913177963.
Genomic context (GRCh38, chrMT:4,386, plus strand): 5'-TTTCTAGGACTATGAGAATCGAACCCATCCCTGAGAATCCAAAATTCTCCGTGCCACCTA[T>C]CACACCCCATCCTAAAGTAAGGTCAGCTAAATAAGCTATCGGGCCCATACCCCGAAAATG-3'

ClinVar aggregate classification (germline): Benign (1 of 4 stars; one submission).

Conditions:
MELAS syndrome (MELAS). Also called: Juvenile myopathy, encephalopathy, lactic acidosis, stroke. Identifiers: Orphanet 550, MedGen C0162671, MONDO:0010789, OMIM 540000.

Submission:

Wong Mito Lab, Molecular and Human Genetics, Baylor College of Medicine
Classification: Benign for MELAS syndrome. Last evaluated: 2019-07-12. Review status: criteria provided, single submitter. Criteria: Modified ACMG Guidelines (Unpublished). Collection method: clinical testing. Allele origin: germline.
Comment: The NC_012920.1:m.4386T>C variant in MT-TQ gene is interpreted to be a Benign variant based on the modified ACMG guidelines (unpublished). This variant meets the following evidence codes reported in the guidelines: BS1, BS4, BP4

Literature cited by the submitters: PubMed 31965079.